The following is an entry in ClinVar:

NM_000051.4(ATM):c.2523T>C (p.Asp841=)

Gene: ATM (ATM serine/threonine kinase; plus strand). Cytogenetic location: 11q22.3.
Variant type: single nucleotide variant.
Coding change: c.2523T>C on transcript NM_000051.4 (MANE Select); coding-DNA position 2523, T replaced by C.
Protein change: p.Asp841=; no amino-acid change (aspartic acid 841 retained).
Molecular consequence: synonymous variant.
Genome position (GRCh38, 1-based): chr11:108,267,227, T>C. VCF-style: chr11-108267227-T-C. GRCh37 (hg19) VCF-style: chr11-108137954-T-C.
Other names: c.2523T>C, p.Asp841= (NM_001351834.2).
Identifiers: ClinVar variation 928469 (VCV000928469.14), dbSNP rs758234872, ClinGen allele CA6265055.

ClinVar aggregate classification (germline): Benign/Likely benign. Review status: criteria provided, multiple submitters, no conflicts (2 of 4 stars). 4 submissions from 4 submitters: Benign (1); Likely benign (3). Last evaluated 2025-03-18.

Conditions:
Familial cancer of breast. Also called: BREAST CANCER, FAMILIAL; hereditary breast carcinoma; Hereditary breast cancer. Identifiers: Orphanet 227535, MedGen C0346153, MONDO:0016419, OMIM 114480. Disease mechanism: loss of function.
Hereditary cancer-predisposing syndrome. Also called: Tumor predisposition; Hereditary neoplastic syndrome; Neoplastic Syndromes, Hereditary; Hereditary Cancer Syndrome. Identifiers: Orphanet 140162, MedGen C0027672, MeSH D009386, MONDO:0015356.
Ataxia-telangiectasia syndrome (AT). Also called: Ataxia-telangiectasia, complementation group D; Cerebello-oculocutaneous telangiectasia; Immunodeficiency with ataxia telangiectasia; LOUIS-BAR SYNDROME; Ataxia-telangiectasia; AT, COMPLEMENTATION GROUP C. Identifiers: Orphanet 100, MedGen C0004135, MONDO:0008840, OMIM 208900.

Allele frequency attached by ClinVar (database versions not stated): gnomAD exomes below 0.00001 and 0.00001; ExAC 0.00001.
gnomAD v4.1: 5 of 1,614,172 alleles (0.00031%); highest among the groups gnomAD compares: Non-Finnish European, 0.00042%; no homozygotes.

Submissions (4):

Labcorp Genetics (formerly Invitae), Labcorp
Classification: Likely benign for Ataxia-telangiectasia syndrome. Last evaluated: 2025-03-18. Review status: criteria provided, single submitter. Criteria: Invitae Variant Classification Sherloc (09022015). Collection method: clinical testing. Allele origin: germline.

Myriad Genetics, Inc.
Classification: Benign for Familial cancer of breast. Last evaluated: 2024-05-09. Review status: criteria provided, single submitter. Criteria: Myriad Autosomal Dominant, Autosomal Recessive and X-Linked Classification Criteria (2023). Collection method: clinical testing. Allele origin: unknown.
Comment: This variant is considered benign. This variant is a silent/synonymous amino acid change and it is not expected to impact splicing.

Ambry Genetics
Classification: Likely benign for Hereditary cancer-predisposing syndrome. Last evaluated: 2021-04-04. Review status: criteria provided, single submitter. Criteria: Ambry Variant Classification Scheme 2023. Collection method: clinical testing. Allele origin: germline.

Color Diagnostics, LLC DBA Color Health
Classification: Likely benign for Hereditary cancer-predisposing syndrome. Last evaluated: 2019-03-14. Review status: criteria provided, single submitter. Criteria: ACMG Guidelines, 2015. Collection method: clinical testing. Allele origin: germline.